The following is an entry in ClinVar:

NC_000019.10:g.(?_11018947)_(11030903_?)del

Gene: SMARCA4 (SWI/SNF related BAF chromatin remodeling complex subunit ATPase 4; plus strand). Cytogenetic location: 19p13.2.
Variant type: Deletion.
Identifiers: ClinVar variation 584068 (VCV000584068.6).

ClinVar aggregate classification (germline): Pathogenic (1 of 4 stars; one submission).

Conditions:
Rhabdoid tumor predisposition syndrome 2 (RTPS2). Identifiers: Orphanet 231108, Orphanet 69077, MedGen C2750074, MONDO:0013224, OMIM 613325.

Submission:

Labcorp Genetics (formerly Invitae), Labcorp
Classification: Pathogenic for Rhabdoid tumor predisposition syndrome 2. Last evaluated: 2019-11-01. Review status: criteria provided, single submitter. Criteria: Invitae Variant Classification Sherloc (09022015). Collection method: clinical testing. Allele origin: germline.
Comment: For these reasons, this variant has been classified as Pathogenic. Loss-of-function variants in SMARCA4 are known to be pathogenic (PMID: 24658001, 24658002). This variant has not been reported in the literature in individuals with SMARCA4-related conditions. This variant is an out-of-frame deletion of the genomic region encompassing exons 17-25 of the SMARCA4 gene. This is expected to create a premature translational stop signal and result in an absent or disrupted protein product.

Literature cited by the submitters: PubMed 24658001; PubMed 24658002.